The following is an entry in ClinVar:

ClinVar aggregate classification (germline): Conflicting classifications of pathogenicity. Review status: criteria provided, conflicting classifications (1 of 4 stars). 3 submissions from 3 submitters: Uncertain significance (1); Likely benign (2). Last evaluated 2025-10-23.

Conditions:
Muscular dystrophy-dystroglycanopathy (congenital with impaired intellectual development), type B, 3. Also called: Muscular dystrophy-dystroglycanopathy (congenital with intellectual disability), type B3; MUSCULAR DYSTROPHY, CONGENITAL, POMGNT1-RELATED. Identifiers: MedGen C3150412, MONDO:0013155, OMIM 613151.
Autosomal recessive limb-girdle muscular dystrophy type 2O. Also called: Limb-Girdle Muscular Dystrophy Type 3C; MUSCULAR DYSTROPHY-DYSTROGLYCANOPATHY (LIMB-GIRDLE), TYPE C, 3; MUSCULAR DYSTROPHY-DYSTROGLYCANOPATHY, LIMB-GIRDLE, POMGNT1-RELATED. Identifiers: Orphanet 206564, MedGen C3150417, MONDO:0013161, OMIM 613157.

Allele frequency attached by ClinVar (database versions not stated): gnomAD exomes below 0.00001 and 0.00001; TOPMed below 0.00001.
gnomAD v4.1: 10 of 1,614,010 alleles (0.00062%); highest among the groups gnomAD compares: African/African-American, 0.0013%; no homozygotes.

Submissions (3):

Labcorp Genetics (formerly Invitae), Labcorp
Classification: Uncertain significance for Autosomal recessive limb-girdle muscular dystrophy type 2O; Muscular dystrophy-dystroglycanopathy (congenital with impaired intellectual development), type B, 3. Last evaluated: 2025-10-23. Review status: criteria provided, single submitter. Criteria: Invitae Variant Classification Sherloc (09022015). Collection method: clinical testing. Allele origin: germline.
Comment: This sequence change falls in intron 2 of the POMGNT1 gene. It does not directly change the encoded amino acid sequence of the POMGNT1 protein. It affects a nucleotide within the consensus splice site. This variant is present in population databases (no rsID available, gnomAD 0.0009%). This variant has not been reported in the literature in individuals affected with POMGNT1-related conditions. ClinVar contains an entry for this variant (Variation ID: 518086). Variants that disrupt the consensus splice site are a relatively common cause of aberrant splicing (PMID: 17576681, 9536098). Algorithms developed to predict the effect of sequence changes on RNA splicing suggest that this variant is not likely to affect RNA splicing. In summary, the available evidence is currently insufficient to determine the role of this variant in disease. Therefore, it has been classified as a Variant of Uncertain Significance.

Blueprint Genetics
Classification: Likely benign. Last evaluated: 2022-06-03. Review status: criteria provided, single submitter. Criteria: ACMG Guidelines, 2015. Collection method: clinical testing. Allele origin: germline.

GeneDx
Classification: Likely benign. Last evaluated: 2017-06-20. Review status: criteria provided, single submitter. Criteria: GeneDx Variant Classification (06012015). Collection method: clinical testing. Allele origin: germline. Affected: yes.
Comment: This variant is considered likely benign or benign based on one or more of the following criteria: it is a conservative change, it occurs at a poorly conserved position in the protein, it is predicted to be benign by multiple in silico algorithms, and/or has population frequency not consistent with disease.

Literature cited by the submitters: PubMed 17576681 (cited by Labcorp Genetics (formerly Invitae), Labcorp); PubMed 9536098 (cited by Labcorp Genetics (formerly Invitae), Labcorp).

NM_017739.4(POMGNT1):c.120+4T>C

Gene: POMGNT1 (protein O-linked mannose N-acetylglucosaminyltransferase 1 (beta 1,2-); minus strand). Cytogenetic location: 1p34.1.
Variant type: single nucleotide variant.
Coding change: c.120+4T>C on transcript NM_017739.4 (MANE Select); 4 bases into the intron after coding-DNA position 120, T replaced by C.
Molecular consequence: intron variant.
Genome position (GRCh38, 1-based): chr1:46,197,698, A>G on the plus strand (T>C on the coding strand, the complement: POMGNT1 is on the minus strand). VCF-style: chr1-46197698-A-G. GRCh37 (hg19) VCF-style: chr1-46663370-A-G.
Other names: c.120+4T>C (NM_001243766.2).
Identifiers: ClinVar variation 518086 (VCV000518086.8), dbSNP rs1223030962, ClinGen allele CA522582548.
Genomic context (GRCh38, chr1:46,197,698, plus strand): 5'-GATTTAGGTGGGGAGGAAGCTGGGAGGGAGCGCTCGGTGGGGAGGGTTTGGGACATCTCT[A>G]TACCTGACAGAATCTCCGCAGGGCCCGCTGGTTTGTCAGTTTATACTTCCAGGTAAGGTA-3'